The following is an entry in ClinVar:

NM_000229.2(LCAT):c.1024G>C (p.Gly342Arg)

Gene: LCAT (lecithin-cholesterol acyltransferase; minus strand). Cytogenetic location: 16q22.1.
Variant type: single nucleotide variant.
Coding change: c.1024G>C on transcript NM_000229.2 (MANE Select); coding-DNA position 1024, G replaced by C.
Protein change: p.Gly342Arg; replaces glycine 342 with arginine.
Molecular consequence: missense variant.
Genome position (GRCh38, 1-based): chr16:67,940,203, C>G on the plus strand (G>C on the coding strand, the complement: LCAT is on the minus strand). VCF-style: chr16-67940203-C-G. GRCh37 (hg19) VCF-style: chr16-67974106-C-G.
Other names: short protein forms G342R.
Identifiers: ClinVar variation 3537468 (VCV003537468.1).
Genomic context (GRCh38, chr16:67,940,203, plus strand): 5'-CCACAGGGTCCGTGTAGGGGAAGCCGTGGTCGTAGATGTAGGTGCGGGGCGTGGGCAGGC[C>G]CACGCCGTAAAGACAGTATACTTCCACACCAGGTGCTGGGAGTCCTGCCAGGAGGTCACG-3'
Protein context (NP_000220.1, residues 332-352): GVEVYCLYGV[Gly342Arg]LPTPRTYIYD

ClinVar aggregate classification (germline): Uncertain significance (1 of 4 stars; one submission).

Conditions:
Cardiovascular phenotype. Identifiers: MedGen CN230736.

Submission:

Ambry Genetics
Classification: Uncertain significance for Cardiovascular phenotype. Last evaluated: 2024-08-31. Review status: criteria provided, single submitter. Criteria: Ambry Variant Classification Scheme 2023. Collection method: clinical testing. Allele origin: germline.
Comment: The p.G342R variant (also known as c.1024G>C), located in coding exon 6 of the LCAT gene, results from a G to C substitution at nucleotide position 1024. The glycine at codon 342 is replaced by arginine, an amino acid with dissimilar properties. This amino acid position is conserved. In addition, this alteration is predicted to be deleterious by in silico analysis. Based on the available evidence, the clinical significance of this variant remains unclear.